The following is an entry in ClinVar:

NM_000059.4(BRCA2):c.510T>G (p.Phe170Leu)

Gene: BRCA2 (BRCA2 DNA repair associated; plus strand). Cytogenetic location: 13q13.1.
Variant type: single nucleotide variant.
Coding change: c.510T>G on transcript NM_000059.4 (MANE Select); coding-DNA position 510, T replaced by G.
Protein change: p.Phe170Leu; replaces phenylalanine 170 with leucine.
Molecular consequence: missense variant.
Genome position (GRCh38, 1-based): chr13:32,326,276, T>G. VCF-style: chr13-32326276-T-G. GRCh37 (hg19) VCF-style: chr13-32900413-T-G.
Other names: c.510T>G (NM_000059.3); short protein forms F170L.
Identifiers: ClinVar variation 1513300 (VCV001513300.9), dbSNP rs2137450631, ClinGen allele CA387757724.

ClinVar aggregate classification (germline): Conflicting classifications of pathogenicity. Review status: criteria provided, conflicting classifications (1 of 4 stars). 2 submissions from 2 submitters: Uncertain significance (1); Likely benign (1). Last evaluated 2024-01-08.

Conditions:
Hereditary cancer-predisposing syndrome. Also called: Tumor predisposition; Neoplastic Syndromes, Hereditary; Hereditary neoplastic syndrome; Hereditary Cancer Syndrome. Identifiers: Orphanet 140162, MedGen C0027672, MeSH D009386, MONDO:0015356.
Hereditary breast ovarian cancer syndrome. Also called: Hereditary breast and/or ovarian cancer syndrome; Breast and ovarian cancer; Hereditary breast and ovarian cancer; BRCA1- and BRCA2-Associated Hereditary Breast and Ovarian Cancer; Hereditary breast and ovarian cancer syndrome; Hereditary breast and ovarian cancer syndrome (HBOC). Identifiers: Orphanet 145, MedGen C0677776, MeSH D061325, MONDO:0003582. Disease mechanism: loss of function.

Submissions (2):

Ambry Genetics
Classification: Likely benign for Hereditary cancer-predisposing syndrome. Last evaluated: 2024-01-08. Review status: criteria provided, single submitter. Criteria: Ambry Variant Classification Scheme 2023. Collection method: clinical testing. Allele origin: germline.

Labcorp Genetics (formerly Invitae), Labcorp
Classification: Uncertain significance for Hereditary breast ovarian cancer syndrome. Last evaluated: 2022-03-21. Review status: criteria provided, single submitter. Criteria: Invitae Variant Classification Sherloc (09022015). Collection method: clinical testing. Allele origin: germline.
Comment: This sequence change replaces phenylalanine, which is neutral and non-polar, with leucine, which is neutral and non-polar, at codon 170 of the BRCA2 protein (p.Phe170Leu). This variant is not present in population databases (gnomAD no frequency). In summary, the available evidence is currently insufficient to determine the role of this variant in disease. Therefore, it has been classified as a Variant of Uncertain Significance. Advanced modeling of protein sequence and biophysical properties (such as structural, functional, and spatial information, amino acid conservation, physicochemical variation, residue mobility, and thermodynamic stability) performed at Invitae indicates that this missense variant is not expected to disrupt BRCA2 protein function. This variant has not been reported in the literature in individuals affected with BRCA2-related conditions.